The following is an entry in ClinVar:

ClinVar aggregate classification (germline): Uncertain significance (1 of 4 stars; one submission).

Conditions:
Hereditary cancer-predisposing syndrome. Also called: Hereditary Cancer Syndrome; Hereditary neoplastic syndrome; Neoplastic Syndromes, Hereditary; Tumor predisposition. Identifiers: Orphanet 140162, MedGen C0027672, MeSH D009386, MONDO:0015356.

Submission:

Ambry Genetics
Classification: Uncertain significance for Hereditary cancer-predisposing syndrome. Last evaluated: 2021-12-08. Review status: criteria provided, single submitter. Criteria: Ambry Variant Classification Scheme 2023. Collection method: clinical testing. Allele origin: germline.
Comment: The p.L431R variant (also known as c.1292T>G), located in coding exon 13 of the MUTYH gene, results from a T to G substitution at nucleotide position 1292. The leucine at codon 431 is replaced by arginine, an amino acid with dissimilar properties. This amino acid position is conserved. In addition, the in silico prediction for this alteration is inconclusive. Since supporting evidence is limited at this time, the clinical significance of this alteration remains unclear.

NM_001048174.2(MUTYH):c.1208T>G (p.Leu403Arg)

Gene: MUTYH (mutY DNA glycosylase; minus strand). Cytogenetic location: 1p34.1.
Variant type: single nucleotide variant.
Coding change: c.1208T>G on transcript NM_001048174.2 (MANE Select); coding-DNA position 1208, T replaced by G.
Protein change: p.Leu403Arg; replaces leucine 403 with arginine.
Molecular consequence: missense variant. On other transcripts: non-coding transcript variant (2).
Genome position (GRCh38, 1-based): chr1:45,331,451, A>C on the plus strand (T>G on the coding strand, the complement: MUTYH is on the minus strand). VCF-style: chr1-45331451-A-C. GRCh37 (hg19) VCF-style: chr1-45797123-A-C.
Other names: c.1208T>G, p.Leu403Arg (NM_001048171.2, NM_001048173.2, NM_001293195.2 and 6 more transcripts); c.1211T>G, p.Leu404Arg (NM_001048172.2, NM_001407071.1, NM_001407078.1 and 1 more transcripts); c.1292T>G, p.Leu431Arg (NM_001128425.2); c.1253T>G, p.Leu418Arg (NM_001293190.2); c.1241T>G, p.Leu414Arg (NM_001293191.2, NM_001407069.1, NM_001407077.1); c.932T>G, p.Leu311Arg (NM_001293192.2, NM_001293196.2, NM_001407091.1); c.863T>G, p.Leu288Arg (NM_001350650.2, NM_001350651.2, NM_001407082.1); c.1124T>G, p.Leu375Arg (NM_001407075.1); and 5 more; short protein forms L288R, L389R, L311R, L375R, L403R, L410R, L417R, L428R.
Identifiers: ClinVar variation 1769144 (VCV001769144.2), dbSNP rs2149118243, ClinGen allele CA340132879.
Genomic context (GRCh38, chr1:45,331,451, plus strand): 5'-CATCCTTGGCTATTCCGCTGCTCACTTACCTCCCCAAGGTGCCGGAGGTGCGTGGCTGGG[A>C]GGGGCCCAGCCCAACGCTGTAGTTCCTGCAGCAGGGCCTTGCGCTGAAGCTGCTCTGAGG-3'
Protein context (NP_001041639.1, residues 393-413): LQELQRWAGP[Leu403Arg]PATHLRHLGE